The following is an entry in ClinVar:

ClinVar aggregate classification (germline): Conflicting classifications of pathogenicity. Review status: criteria provided, conflicting classifications (1 of 4 stars). 2 submissions from 2 submitters: Uncertain significance (1); Likely benign (1). Last evaluated 2026-03-01.

Conditions:
Inborn genetic diseases. Identifiers: MedGen C0950123, MeSH D030342.

gnomAD v4.1: 113 of 1,613,974 alleles (0.007%); highest among the groups gnomAD compares: Non-Finnish European, 0.0094%; no homozygotes.

Submissions (2):

CeGaT Center for Human Genetics Tuebingen
Classification: Likely benign. Last evaluated: 2026-03-01. Review status: criteria provided, single submitter. Criteria: CeGaT Center For Human Genetics Tuebingen Variant Classification Criteria Version 2. Collection method: clinical testing. Allele origin: germline. Affected: yes. Observed: 3 variant alleles.
Comment: WASF1: BS2

Ambry Genetics
Classification: Uncertain significance for Inborn genetic diseases. Last evaluated: 2025-08-27. Review status: criteria provided, single submitter. Criteria: Ambry Variant Classification Scheme 2023. Collection method: clinical testing. Allele origin: germline.

NM_003931.3(WASF1):c.373T>C (p.Tyr125His)

Gene: WASF1 (WASP family member 1; minus strand). Cytogenetic location: 6q21.
Variant type: single nucleotide variant.
Coding change: c.373T>C on transcript NM_003931.3 (MANE Select); coding-DNA position 373, T replaced by C.
Protein change: p.Tyr125His; replaces tyrosine 125 with histidine.
Molecular consequence: missense variant.
Genome position (GRCh38, 1-based): chr6:110,108,577, A>G on the plus strand (T>C on the coding strand, the complement: WASF1 is on the minus strand). VCF-style: chr6-110108577-A-G. GRCh37 (hg19) VCF-style: chr6-110429780-A-G.
Other names: c.373T>C, p.Tyr125His (NM_001024934.2, NM_001024935.2, NM_001024936.2); c.373T>C (NM_003931.2); short protein forms Y125H.
Identifiers: ClinVar variation 3388822 (VCV003388822.15).